The following is an entry in ClinVar:

ClinVar aggregate classification (germline): Benign. Review status: criteria provided, multiple submitters, no conflicts (2 of 4 stars). 4 submissions from 4 submitters: Benign (3). 1 of the submissions does not count toward it. Last evaluated 2026-02-01.

Conditions:
SPECC1L-related disorder. Also called: SPECC1L-related condition.

Allele frequency attached by ClinVar (database versions not stated): 1000 Genomes Project 30x 0.00843; gnomAD exomes 0.01030 and 0.01074; ExAC 0.01160; ESP Exome Variant Server 0.00723; gnomAD 0.00784 and 0.00719; TOPMed 0.00557; 1000 Genomes Project 0.00938.
gnomAD v4.1: 16,624 of 1,599,456 alleles (1%); highest among the groups gnomAD compares: South Asian, 2.3%; 141 homozygotes.

Submissions (4):

Labcorp Genetics (formerly Invitae), Labcorp
Classification: Benign. Last evaluated: 2026-02-01. Review status: criteria provided, single submitter. Criteria: Invitae Variant Classification Sherloc (09022015). Collection method: clinical testing. Allele origin: germline.

Genetic Services Laboratory, University of Chicago
Classification: Benign. Last evaluated: 2021-05-23. Review status: criteria provided, single submitter. Criteria: ACMG Guidelines, 2015. Collection method: clinical testing. Allele origin: germline. Affected: no.

Breakthrough Genomics
Classification: Benign. Review status: criteria provided, single submitter. Criteria: ACMG Guidelines, 2015. Collection method: not provided. Allele origin: germline. Inheritance: Autosomal dominant inheritance. Affected: yes.

PreventionGenetics, part of Exact Sciences
Classification: Benign for SPECC1L-related condition. Last evaluated: 2019-07-15. Review status: no assertion criteria provided. Collection method: clinical testing. Allele origin: germline. Not counted in ClinVar's aggregate classification.
Comment: This variant is classified as benign based on ACMG/AMP sequence variant interpretation guidelines (Richards et al. 2015 PMID: 25741868, with internal and published modifications).

NM_015330.6(SPECC1L):c.2743+10A>G

Genes: SPECC1L (sperm antigen with calponin homology and coiled-coil domains 1 like; plus strand), SPECC1L-ADORA2A (SPECC1L-ADORA2A readthrough (NMD candidate); plus strand). Cytogenetic location: 22q11.23.
Variant type: single nucleotide variant.
Coding change: c.2743+10A>G on transcript NM_015330.6 (MANE Select); 10 bases into the intron after coding-DNA position 2743, A replaced by G.
Molecular consequence: intron variant.
Genome position (GRCh38, 1-based): chr22:24,347,186, A>G. VCF-style: chr22-24347186-A-G. GRCh37 (hg19) VCF-style: chr22-24743154-A-G.
Other names: c.2743+10A>G (NM_001145468.4, NM_001254732.3); c.-60+10A>G (NM_001254733.2).
Identifiers: ClinVar variation 1335995 (VCV001335995.14), dbSNP rs62233134, ClinGen allele CA10152417.